The following continues an entry in ClinVar:

NM_000372.5(TYR):c.1118C>A (p.Thr373Lys)

Gene: TYR. ClinVar aggregate classification (germline): Pathogenic. Pathogenic (25).

Submissions 27 to 31 of 31:

Clinical Genetics DNA and cytogenetics Diagnostics Lab, Erasmus MC, Erasmus Medical Center
Classification: Pathogenic. Review status: no assertion criteria provided. Collection method: clinical testing. Allele origin: germline. Affected: yes. Study: VKGL Data-share Consensus. Not counted in ClinVar's aggregate classification.

Clinical Genetics, Academic Medical Center
Classification: Pathogenic. Review status: no assertion criteria provided. Collection method: clinical testing. Allele origin: germline. Affected: yes. Study: VKGL Data-share Consensus. Not counted in ClinVar's aggregate classification.

Genomics England Pilot Project, Genomics England
Classification: Likely pathogenic for SKIN/HAIR/EYE PIGMENTATION 3, LIGHT/DARK SKIN. Review status: no assertion criteria provided. Criteria: ACGS Guidelines, 2016. Collection method: clinical testing. Allele origin: germline. Affected: yes. Not counted in ClinVar's aggregate classification.

Joint Genome Diagnostic Labs from Nijmegen and Maastricht, Radboudumc and MUMC+
Classification: Pathogenic. Review status: no assertion criteria provided. Collection method: clinical testing. Allele origin: germline. Affected: yes. Study: VKGL Data-share Consensus. Not counted in ClinVar's aggregate classification.

Retina International
No classification provided. Review status: no classification provided. Collection method: not provided. Allele origin: unknown. Not counted in ClinVar's aggregate classification.

Literature cited by the submitters: PubMed 2342539 (cited by 6 submitters); PubMed 9259202 (cited by Labcorp Genetics (formerly Invitae), Labcorp); PubMed 13680365 (cited by 3 submitters); PubMed 18326704 (cited by 4 submitters); PubMed 1429711 (cited by 6 submitters); PubMed 9242509 (cited by Labcorp Genetics (formerly Invitae), Labcorp and Pittsburgh Clinical Genomics Laboratory, University of Pittsburgh Medical Center); PubMed 27775880 (cited by Labcorp Genetics (formerly Invitae), Labcorp and Pittsburgh Clinical Genomics Laboratory, University of Pittsburgh Medical Center); PubMed 23085273 (cited by Laboratory of Genetic Epidemiology, Research Centre for Medical Genetics and Eurofins Ntd Llc (ga)); PubMed 31719542 (cited by Laboratory of Genetic Epidemiology, Research Centre for Medical Genetics); PubMed 12028580 (cited by Laboratory of Genetic Epidemiology, Research Centre for Medical Genetics); PubMed 41428507 (cited by Laboratory of Genetic Epidemiology, Research Centre for Medical Genetics); PubMed 29345414 (cited by Women's Health and Genetics/Laboratory Corporation of America, LabCorp and Victorian Clinical Genetics Services, Murdoch Childrens Research Institute); PubMed 1642278 (cited by 3 submitters); PubMed 11284711 (cited by Pittsburgh Clinical Genomics Laboratory, University of Pittsburgh Medical Center and Illumina Laboratory Services, Illumina); PubMed 30472657 (cited by Pittsburgh Clinical Genomics Laboratory, University of Pittsburgh Medical Center); PubMed 27734839 (cited by Pittsburgh Clinical Genomics Laboratory, University of Pittsburgh Medical Center); PubMed 15146472 (cited by Pittsburgh Clinical Genomics Laboratory, University of Pittsburgh Medical Center and Laboratory for Molecular Medicine, Mass General Brigham Personalized Medicine); PubMed 23504663 (cited by Pittsburgh Clinical Genomics Laboratory, University of Pittsburgh Medical Center and Johns Hopkins Genomics, Johns Hopkins University); PubMed 10823941 (cited by Johns Hopkins Genomics, Johns Hopkins University); PubMed 18463683 (cited by 3 submitters); PubMed 8430701 (cited by 3 submitters); PubMed 8128955 (cited by Laboratory for Molecular Medicine, Mass General Brigham Personalized Medicine); PubMed 20861488 (cited by Laboratory for Molecular Medicine, Mass General Brigham Personalized Medicine and Illumina Laboratory Services, Illumina); PubMed 8434585 (cited by Illumina Laboratory Services, Illumina); PubMed 1905879 (cited by Illumina Laboratory Services, Illumina and OMIM); PubMed 1899321 (cited by OMIM); PubMed 1943686 (cited by OMIM).